The following is an entry in ClinVar:

NM_181712.5(KANK4):c.364A>G (p.Arg122Gly)

Gene: KANK4 (KN motif and ankyrin repeat domains 4; minus strand). Cytogenetic location: 1p31.3.
Variant type: single nucleotide variant.
Coding change: c.364A>G on transcript NM_181712.5 (MANE Select); coding-DNA position 364, A replaced by G.
Protein change: p.Arg122Gly; replaces arginine 122 with glycine.
Molecular consequence: missense variant. On other transcripts: intron variant (1).
Genome position (GRCh38, 1-based): chr1:62,274,740, T>C on the plus strand (A>G on the coding strand, the complement: KANK4 is on the minus strand). VCF-style: chr1-62274740-T-C. GRCh37 (hg19) VCF-style: chr1-62740412-T-C.
Other names: c.17-3151A>G (NM_001320269.2); short protein forms R122G.
Identifiers: ClinVar variation 2629806 (VCV002629806.2), dbSNP rs757701006, ClinGen allele CA884584.

ClinVar aggregate classification (germline): Conflicting classifications of pathogenicity. Review status: criteria provided, conflicting classifications (1 of 4 stars). 2 submissions from 2 submitters: Uncertain significance (1); Likely benign (1). Last evaluated 2025-06-30.

Conditions:
KANK4-related disorder. Also called: KANK4-related condition.

Allele frequency attached by ClinVar (database versions not stated): gnomAD exomes 0.00002; TOPMed 0.00003; ExAC 0.00004; gnomAD 0.00002.
gnomAD v4.1: 28 of 1,614,048 alleles (0.0017%); highest among the groups gnomAD compares: Admixed American, 0.005%; no homozygotes.

Submissions (2):

Ambry Genetics
Classification: Likely benign. Last evaluated: 2025-06-30. Review status: criteria provided, single submitter. Criteria: Ambry Variant Classification Scheme 2023. Collection method: clinical testing. Allele origin: germline.

PreventionGenetics, part of Exact Sciences
Classification: Uncertain significance for KANK4-related condition. Last evaluated: 2022-12-21. Review status: criteria provided, single submitter. Criteria: ACMG Guidelines, 2015. Collection method: clinical testing. Allele origin: germline.
Comment: The KANK4 c.364A>G variant is predicted to result in the amino acid substitution p.Arg122Gly. To our knowledge, this variant has not been reported in the literature. This variant is reported in 0.0058% of alleles in individuals of Latino descent in gnomAD. At this time, the clinical significance of this variant is uncertain due to the absence of conclusive functional and genetic evidence.